The following is an entry in ClinVar:

NM_000038.6(APC):c.7240G>A (p.Val2414Ile)

Gene: APC (APC regulator of Wnt signaling pathway; plus strand). Cytogenetic location: 5q22.2.
Variant type: single nucleotide variant.
Coding change: c.7240G>A on transcript NM_000038.6 (MANE Select); coding-DNA position 7240, G replaced by A.
Protein change: p.Val2414Ile; replaces valine 2414 with isoleucine.
Molecular consequence: missense variant.
Genome position (GRCh38, 1-based): chr5:112,842,834, G>A. VCF-style: chr5-112842834-G-A. GRCh37 (hg19) VCF-style: chr5-112178531-G-A.
Other names: c.7240G>A, p.Val2414Ile (NM_001127510.3, NM_001354895.2); c.7186G>A, p.Val2396Ile (NM_001127511.3); c.7294G>A, p.Val2432Ile (NM_001354896.2); c.7270G>A, p.Val2424Ile (NM_001354897.2); c.7165G>A, p.Val2389Ile (NM_001354898.2); c.7156G>A, p.Val2386Ile (NM_001354899.2); c.7117G>A, p.Val2373Ile (NM_001354900.2); c.7063G>A, p.Val2355Ile (NM_001354901.2); and 5 more; short protein forms V2288I, V2386I, V2432I, V2131I, V2254I, V2313I, V2355I, V2373I.
Identifiers: ClinVar variation 665416 (VCV000665416.12), dbSNP rs1256751823, ClinGen allele CA16037101.

ClinVar aggregate classification (germline): Uncertain significance. Review status: criteria provided, multiple submitters, no conflicts (2 of 4 stars). 3 submissions from 3 submitters: Uncertain significance (3). Last evaluated 2025-10-14.

Conditions:
Familial adenomatous polyposis 1 (FAP1). Also called: POLYPOSIS, ADENOMATOUS INTESTINAL; FAMILIAL ADENOMATOUS POLYPOSIS 1, ATTENUATED. Identifiers: MedGen C2713442, MONDO:0021056, OMIM 175100. Disease mechanism: loss of function.
Hereditary cancer-predisposing syndrome. Also called: Tumor predisposition; Hereditary neoplastic syndrome; Neoplastic Syndromes, Hereditary; Hereditary Cancer Syndrome. Identifiers: Orphanet 140162, MedGen C0027672, MeSH D009386, MONDO:0015356.

Submissions (3):

Labcorp Genetics (formerly Invitae), Labcorp
Classification: Uncertain significance for Familial adenomatous polyposis 1. Last evaluated: 2025-10-14. Review status: criteria provided, single submitter. Criteria: Invitae Variant Classification Sherloc (09022015). Collection method: clinical testing. Allele origin: germline.
Comment: This sequence change replaces valine, which is neutral and non-polar, with isoleucine, which is neutral and non-polar, at codon 2414 of the APC protein (p.Val2414Ile). This variant is not present in population databases (gnomAD no frequency). This variant has not been reported in the literature in individuals affected with APC-related conditions. ClinVar contains an entry for this variant (Variation ID: 665416). Invitae Evidence Modeling of protein sequence and biophysical properties (such as structural, functional, and spatial information, amino acid conservation, physicochemical variation, residue mobility, and thermodynamic stability) indicates that this missense variant is not expected to disrupt APC protein function with a negative predictive value of 95%. In summary, the available evidence is currently insufficient to determine the role of this variant in disease. Therefore, it has been classified as a Variant of Uncertain Significance.

Ambry Genetics
Classification: Uncertain significance for Hereditary cancer-predisposing syndrome. Last evaluated: 2024-08-10. Review status: criteria provided, single submitter. Criteria: Ambry Variant Classification Scheme 2023. Collection method: clinical testing. Allele origin: germline.
Comment: The p.V2414I variant (also known as c.7240G>A), located in coding exon 15 of the APC gene, results from a G to A substitution at nucleotide position 7240. The valine at codon 2414 is replaced by isoleucine, an amino acid with highly similar properties. This amino acid position is conserved. In addition, in silico predictors for this gene do not accurately predict pathogenicity. Based on the available evidence, the clinical significance of this variant remains unclear.

GeneDx
Classification: Uncertain significance. Last evaluated: 2024-02-28. Review status: criteria provided, single submitter. Criteria: GeneDx Variant Classification Process June 2021. Collection method: clinical testing. Allele origin: germline. Affected: yes.
Comment: Not observed at significant frequency in large population cohorts (gnomAD); In silico analysis supports that this missense variant does not alter protein structure/function; Has not been previously published as pathogenic or benign to our knowledge